The following is an entry in ClinVar:

NM_001378452.1(ITPR1):c.7487C>T (p.Ala2496Val)

Gene: ITPR1 (inositol 1,4,5-trisphosphate receptor type 1; plus strand). Cytogenetic location: 3p26.1.
Variant type: single nucleotide variant.
Coding change: c.7487C>T on transcript NM_001378452.1 (MANE Select); coding-DNA position 7487, C replaced by T.
Protein change: p.Ala2496Val; replaces alanine 2496 with valine.
Molecular consequence: missense variant.
Genome position (GRCh38, 1-based): chr3:4,813,160, C>T. VCF-style: chr3-4813160-C-T. GRCh37 (hg19) VCF-style: chr3-4854844-C-T.
Other names: c.7343C>T, p.Ala2448Val (NM_001099952.4); c.7442C>T, p.Ala2481Val (NM_001168272.2); c.7298C>T, p.Ala2433Val (NM_002222.7); short protein forms A2433V, A2448V, A2481V, A2496V.
Identifiers: ClinVar variation 4536241 (VCV004536241.2).

ClinVar aggregate classification (germline): Uncertain significance (1 of 4 stars; one submission).

gnomAD v4.1: 3 of 1,613,814 alleles (0.00019%); highest among the groups gnomAD compares: African/African-American, 0.004%; no homozygotes.

Submission:

GeneDx
Classification: Uncertain significance. Last evaluated: 2026-08-25. Review status: criteria provided, single submitter. Criteria: GeneDx Variant Classification Process June 2021. Collection method: clinical testing. Allele origin: germline.
Comment: Not observed at significant frequency in large population cohorts (gnomAD); In silico analysis suggests that this missense variant does not alter protein structure/function; In silico analysis supports a deleterious effect on splicing; Has not been previously published as pathogenic or benign to our knowledge